The following is an entry in ClinVar:

NM_182914.3(SYNE2):c.4092G>C (p.Glu1364Asp)

Gene: SYNE2 (spectrin repeat containing nuclear envelope protein 2; plus strand). Cytogenetic location: 14q23.2.
Variant type: single nucleotide variant.
Coding change: c.4092G>C on transcript NM_182914.3 (MANE Select); coding-DNA position 4092, G replaced by C.
Protein change: p.Glu1364Asp; replaces glutamic acid 1364 with aspartic acid.
Molecular consequence: missense variant.
Genome position (GRCh38, 1-based): chr14:64,003,025, G>C. VCF-style: chr14-64003025-G-C. GRCh37 (hg19) VCF-style: chr14-64469743-G-C.
Other names: c.4092G>C, p.Glu1364Asp (NM_015180.6); short protein forms E1364D.
Identifiers: ClinVar variation 2736536 (VCV002736536.3), dbSNP rs2551003093, ClinGen allele CA389998382.
Genomic context (GRCh38, chr14:64,003,025, plus strand): 5'-CCTTTCAGCCTCAGATACACAGGTGGCACAAGAAAATACGTTGACAGTAAAAAATAAAGA[G>C]GGAGAAATTCATCTGATGAAAGACAAGGCCAAACATTTGGATAAATGTTTGAAGATGCTC-3'
Protein context (NP_878918.2, residues 1354-1374): QENTLTVKNK[Glu1364Asp]GEIHLMKDKA

ClinVar aggregate classification (germline): Uncertain significance (1 of 4 stars; one submission).

Conditions:
Emery-Dreifuss muscular dystrophy 5, autosomal dominant (EDMD5). Also called: EMERY-DREIFUSS MUSCULAR DYSTROPHY 5. Identifiers: Orphanet 261, MedGen C2751805, MONDO:0013072, OMIM 612999.

Submission:

Labcorp Genetics (formerly Invitae), Labcorp
Classification: Uncertain significance for Emery-Dreifuss muscular dystrophy 5, autosomal dominant. Last evaluated: 2023-07-31. Review status: criteria provided, single submitter. Criteria: Invitae Variant Classification Sherloc (09022015). Collection method: clinical testing. Allele origin: germline.
Comment: In summary, the available evidence is currently insufficient to determine the role of this variant in disease. Therefore, it has been classified as a Variant of Uncertain Significance. An algorithm developed to predict the effect of missense changes on protein structure and function (PolyPhen-2) suggests that this variant is likely to be tolerated. This variant has not been reported in the literature in individuals affected with SYNE2-related conditions. This variant is not present in population databases (gnomAD no frequency). This sequence change replaces glutamic acid, which is acidic and polar, with aspartic acid, which is acidic and polar, at codon 1364 of the SYNE2 protein (p.Glu1364Asp).